The following is an entry in ClinVar:

NM_001012720.2(RGR):c.459C>T (p.Tyr153=)

Gene: RGR (retinal G protein coupled receptor; plus strand). Cytogenetic location: 10q23.1.
Variant type: single nucleotide variant.
Coding change: c.459C>T on transcript NM_001012720.2 (MANE Select); coding-DNA position 459, C replaced by T.
Protein change: p.Tyr153=; no amino-acid change (tyrosine 153 retained).
Molecular consequence: synonymous variant.
Genome position (GRCh38, 1-based): chr10:84,252,957, C>T. VCF-style: chr10-84252957-C-T. GRCh37 (hg19) VCF-style: chr10-86012713-C-T.
Other names: c.459C>T, p.Tyr153= (NM_001012722.2); c.471C>T, p.Tyr157= (NM_002921.4).
Identifiers: ClinVar variation 197174 (VCV000197174.26), dbSNP rs1042454, ClinGen allele CA202726.

ClinVar aggregate classification (germline): Benign. Review status: criteria provided, multiple submitters, no conflicts (2 of 4 stars). 8 submissions from 8 submitters: Benign (6). 2 of the submissions do not count toward it. Last evaluated 2026-02-03.

Conditions:
Retinal dystrophy. Also called: Inherited retinal dystrophy. Identifiers: Orphanet 71862, MedGen C0854723, MeSH D058499, MONDO:0019118, HP:0000556.
Retinitis pigmentosa (RP). Identifiers: Orphanet 791, MedGen C0035334, MeSH D012174, MONDO:0019200, OMIM 268000. Inheritance: Autosomal dominant, autosomal recessive and X linked inheritance.
Retinitis pigmentosa 44 (RP44). Identifiers: Orphanet 791, MedGen C3151068, MONDO:0013414, OMIM 613769.

Allele frequency attached by ClinVar (database versions not stated): gnomAD 0.49906 and 0.50840; 1000 Genomes Project 0.50319; ESP Exome Variant Server 0.50515; TOPMed 0.51316; 1000 Genomes Project 30x 0.51405.

Submissions (8):

Labcorp Genetics (formerly Invitae), Labcorp
Classification: Benign. Last evaluated: 2026-02-03. Review status: criteria provided, single submitter. Criteria: Invitae Variant Classification Sherloc (09022015). Collection method: clinical testing. Allele origin: germline.

Dept Of Ophthalmology, Nagoya University
Classification: Benign for Retinal dystrophy. Last evaluated: 2023-10-01. Review status: criteria provided, single submitter. Criteria: Submitter's publication. Collection method: research. Allele origin: germline. Affected: yes.

Genome-Nilou Lab
Classification: Benign for Retinitis pigmentosa 44. Last evaluated: 2021-11-07. Review status: criteria provided, single submitter. Criteria: ACMG Guidelines, 2015. Collection method: clinical testing. Allele origin: germline. Affected: no.

Illumina Laboratory Services, Illumina
Classification: Benign for Retinitis pigmentosa. Last evaluated: 2018-01-12. Review status: criteria provided, single submitter. Criteria: ICSL Variant Classification Criteria 13 December 2019. Collection method: clinical testing. Allele origin: germline.
Comment: This variant was observed in the ICSL laboratory as part of a predisposition screen in an ostensibly healthy population. It had not been previously curated by ICSL or reported in the Human Gene Mutation Database (HGMD: prior to June 1st, 2018), and was therefore a candidate for classification through an automated scoring system. Utilizing variant allele frequency, disease prevalence and penetrance estimates, and inheritance mode, an automated score was calculated to assess if this variant is too frequent to cause the disease. Based on the score and internal cut-off values, a variant classified as benign is not then subjected to further curation. The score for this variant resulted in a classification of benign for this disease.

Eurofins Ntd Llc (ga)
Classification: Benign. Last evaluated: 2014-06-25. Review status: criteria provided, single submitter. Criteria: EGL Classification Definitions 2015. Collection method: clinical testing. Allele origin: germline. Observed: 2 variant alleles, 2 heterozygotes.

Breakthrough Genomics
Classification: Benign. Review status: criteria provided, single submitter. Criteria: ACMG Guidelines, 2015. Collection method: not provided. Allele origin: germline. Inheritance: Unknown mechanism. Affected: yes.

Diagnostic Laboratory, Department of Genetics, University Medical Center Groningen
Classification: Benign. Review status: no assertion criteria provided. Collection method: clinical testing. Allele origin: germline. Affected: yes. Study: VKGL Data-share Consensus. Not counted in ClinVar's aggregate classification.

Joint Genome Diagnostic Labs from Nijmegen and Maastricht, Radboudumc and MUMC+
Classification: Benign. Review status: no assertion criteria provided. Collection method: clinical testing. Allele origin: germline. Affected: yes. Study: VKGL Data-share Consensus. Not counted in ClinVar's aggregate classification.